The following is an entry in ClinVar:

ClinVar aggregate classification (germline): Uncertain significance (1 of 4 stars; one submission).

gnomAD v4.1: 28 of 1,614,002 alleles (0.0017%); highest among the groups gnomAD compares: South Asian, 0.012%; 1 homozygote.

Submission:

CeGaT Center for Human Genetics Tuebingen
Classification: Uncertain significance. Last evaluated: 2026-07-01. Review status: criteria provided, single submitter. Criteria: CeGaT Center For Human Genetics Tuebingen Variant Classification Criteria Version 2. Collection method: clinical testing. Allele origin: germline. Affected: yes. Observed: 1 variant allele.
Comment: CTBP1: PP3

NM_001012614.2(CTBP1):c.283G>A (p.Asp95Asn)

Gene: CTBP1 (C-terminal binding protein 1; minus strand). Cytogenetic location: 4p16.3.
Variant type: single nucleotide variant.
Coding change: c.283G>A on transcript NM_001012614.2 (MANE Select); coding-DNA position 283, G replaced by A.
Protein change: p.Asp95Asn; replaces aspartic acid 95 with asparagine.
Molecular consequence: missense variant.
Genome position (GRCh38, 1-based): chr4:1,228,223, C>T on the plus strand (G>A on the coding strand, the complement: CTBP1 is on the minus strand). VCF-style: chr4-1228223-C-T. GRCh37 (hg19) VCF-style: chr4-1222011-C-T.
Other names: c.316G>A, p.Asp106Asn (NM_001328.3, NM_001377186.1); c.283G>A, p.Asp95Asn (NM_001377187.1, NM_001377188.1, NM_001377189.1 and 4 more transcripts); short protein forms D106N, D95N.
Identifiers: ClinVar variation 5039797 (VCV005039797.1).
Genomic context (GRCh38, chr4:1,228,223, plus strand): 5'-TGAATGGGCACAGGAGAGAACTCGGAGCCGGCCTACCTAAATCCCCGGCCGACTTGATGT[C>T]GATGTTGTCAAAACCACTGCCAATCCGGACGATGATGCGGAGGGCTTTGAACTTCTCCAG-3'
Protein context (NP_001012632.1, residues 85-105): VRIGSGFDNI[Asp95Asn]IKSAGDLGIA